The following is an entry in ClinVar:

NM_001367721.1(CASK):c.898G>A (p.Ala300Thr)

Gene: CASK (calcium/calmodulin dependent serine protein kinase; minus strand). Cytogenetic location: Xp11.4.
Variant type: single nucleotide variant.
Coding change: c.898G>A on transcript NM_001367721.1 (MANE Select); coding-DNA position 898, G replaced by A.
Protein change: p.Ala300Thr; replaces alanine 300 with threonine.
Molecular consequence: missense variant.
Genome position (GRCh38, 1-based): chrX:41,636,595, C>T on the plus strand (G>A on the coding strand, the complement: CASK is on the minus strand). VCF-style: chrX-41636595-C-T. GRCh37 (hg19) VCF-style: chrX-41495848-C-T.
Other names: c.898G>A, p.Ala300Thr (NM_001126054.3, NM_001126055.3, NM_001410745.1 and 1 more transcripts); short protein forms A300T.
Identifiers: ClinVar variation 937578 (VCV000937578.10), dbSNP rs1442053618, ClinGen allele CA412994511.

ClinVar aggregate classification (germline): Uncertain significance. Review status: criteria provided, multiple submitters, no conflicts (2 of 4 stars). 4 submissions from 4 submitters: Uncertain significance (4). Last evaluated 2025-12-29.

Conditions:
Inborn genetic diseases. Identifiers: MedGen C0950123, MeSH D030342.
Intellectual disability, CASK-related, X-linked. Identifiers: MedGen CN043158.

Allele frequency attached by ClinVar (database versions not stated): gnomAD exomes below 0.00001; TOPMed 0.00001.

Submissions (4):

Ambry Genetics
Classification: Uncertain significance for Inborn genetic diseases. Last evaluated: 2025-12-29. Review status: criteria provided, single submitter. Criteria: Ambry Variant Classification Scheme 2023. Collection method: clinical testing. Allele origin: germline.

Women's Health and Genetics/Laboratory Corporation of America, LabCorp
Classification: Uncertain significance. Last evaluated: 2024-06-03. Review status: criteria provided, single submitter. Criteria: LabCorp Variant Classification Summary - May 2015. Collection method: clinical testing. Allele origin: germline.
Comment: Variant summary: CASK c.898G>A (p.Ala300Thr) results in a non-conservative amino acid change in the encoded protein sequence. Three of five in-silico tools predict a damaging effect of the variant on protein function. The variant was absent in 183373 control chromosomes. The available data on variant occurrences in the general population are insufficient to allow any conclusion about variant significance. To our knowledge, no occurrence of c.898G>A in individuals affected with Syndromic X-Linked Intellectual Disability Najm Type and no experimental evidence demonstrating its impact on protein function have been reported. ClinVar contains an entry for this variant (Variation ID: 937578). Based on the evidence outlined above, the variant was classified as uncertain significance.

Labcorp Genetics (formerly Invitae), Labcorp
Classification: Uncertain significance for Intellectual disability, CASK-related, X-linked. Last evaluated: 2024-05-15. Review status: criteria provided, single submitter. Criteria: Invitae Variant Classification Sherloc (09022015). Collection method: clinical testing. Allele origin: germline.
Comment: This sequence change replaces alanine, which is neutral and non-polar, with threonine, which is neutral and polar, at codon 300 of the CASK protein (p.Ala300Thr). This variant is not present in population databases (gnomAD no frequency). This variant has not been reported in the literature in individuals affected with CASK-related conditions. This missense change has been observed in at least one individual who was not affected with CASK-related conditions (Invitae). ClinVar contains an entry for this variant (Variation ID: 937578). Advanced modeling of protein sequence and biophysical properties (such as structural, functional, and spatial information, amino acid conservation, physicochemical variation, residue mobility, and thermodynamic stability) has been performed at Invitae for this missense variant, however the output from this modeling did not meet the statistical confidence thresholds required to predict the impact of this variant on CASK protein function. In summary, the available evidence is currently insufficient to determine the role of this variant in disease. Therefore, it has been classified as a Variant of Uncertain Significance.

GeneDx
Classification: Uncertain significance. Last evaluated: 2023-10-22. Review status: criteria provided, single submitter. Criteria: GeneDx Variant Classification Process June 2021. Collection method: clinical testing. Allele origin: germline. Affected: yes.
Comment: Not observed at significant frequency in large population cohorts (gnomAD); In silico analysis supports that this missense variant has a deleterious effect on protein structure/function; Has not been previously published as pathogenic or benign to our knowledge